The following is an entry in ClinVar:

ClinVar aggregate classification (germline): Likely benign. Review status: criteria provided, multiple submitters, no conflicts (2 of 4 stars). 2 submissions from 2 submitters: Likely benign (2). Last evaluated 2025-03-16.

Conditions:
Neuronopathy, distal hereditary motor, autosomal recessive 4. Also called: NEUROPATHY, DISTAL HEREDITARY MOTOR, AUTOSOMAL RECESSIVE 4; Autosomal recessive lower motor neuron disease with childhood onset. Identifiers: Orphanet 206580, MedGen C1970211, MONDO:0012608, OMIM 611067.
Charcot-Marie-Tooth disease recessive intermediate C. Also called: CHARCOT-MARIE-TOOTH NEUROPATHY, RECESSIVE INTERMEDIATE C. Identifiers: Orphanet 369867, MedGen C3809309, MONDO:0014154, OMIM 615376.

Allele frequency attached by ClinVar (database versions not stated): gnomAD exomes below 0.00001; ExAC 0.00001; gnomAD 0.00001; TOPMed 0.00001; 1000 Genomes Project 30x 0.00016; 1000 Genomes Project 0.00020.

Submissions (2):

Labcorp Genetics (formerly Invitae), Labcorp
Classification: Likely benign for Neuronopathy, distal hereditary motor, autosomal recessive 4; Charcot-Marie-Tooth disease recessive intermediate C. Last evaluated: 2025-03-16. Review status: criteria provided, single submitter. Criteria: Invitae Variant Classification Sherloc (09022015). Collection method: clinical testing. Allele origin: germline.

GeneDx
Classification: Likely benign. Last evaluated: 2015-12-30. Review status: criteria provided, single submitter. Criteria: GeneDx Variant Classification (06012015). Collection method: clinical testing. Allele origin: germline. Affected: yes.
Comment: This variant is considered likely benign or benign based on one or more of the following criteria: it is a conservative change, it occurs at a poorly conserved position in the protein, it is predicted to be benign by multiple in silico algorithms, and/or has population frequency not consistent with disease.

NM_020631.6(PLEKHG5):c.1081-12C>T

Gene: PLEKHG5 (pleckstrin homology and RhoGEF domain containing G5; minus strand). Cytogenetic location: 1p36.31.
Variant type: single nucleotide variant.
Coding change: c.1081-12C>T on transcript NM_020631.6 (MANE Select); 12 bases into the intron before coding-DNA position 1081, C replaced by T.
Molecular consequence: intron variant.
Genome position (GRCh38, 1-based): chr1:6,471,820, G>A on the plus strand (C>T on the coding strand, the complement: PLEKHG5 is on the minus strand). VCF-style: chr1-6471820-G-A. GRCh37 (hg19) VCF-style: chr1-6531880-G-A.
Other names: c.1081-12C>T (NM_198681.4, NM_001265594.3, NM_001042664.2 and 1 more transcripts); c.1192-12C>T (NM_001042663.3, NM_001265592.2); c.1288-12C>T (NM_001265593.2).
Identifiers: ClinVar variation 382568 (VCV000382568.2), dbSNP rs182398849, ClinGen allele CA561642.